The following is an entry in ClinVar:

NM_016032.4(ZDHHC9):c.251T>C (p.Leu84Ser)

Gene: ZDHHC9 (zinc finger DHHC-type palmitoyltransferase 9; minus strand). Cytogenetic location: Xq26.1.
Variant type: single nucleotide variant.
Coding change: c.251T>C on transcript NM_016032.4 (MANE Select); coding-DNA position 251, T replaced by C.
Protein change: p.Leu84Ser; replaces leucine 84 with serine.
Molecular consequence: missense variant.
Genome position (GRCh38, 1-based): chrX:129,829,058, A>G on the plus strand (T>C on the coding strand, the complement: ZDHHC9 is on the minus strand). VCF-style: chrX-129829058-A-G. GRCh37 (hg19) VCF-style: chrX-128963034-A-G.
Other names: c.251T>C, p.Leu84Ser (NM_001008222.3); short protein forms L84S.
Identifiers: ClinVar variation 418668 (VCV000418668.2), dbSNP rs1064793355, ClinGen allele CA16621197.

ClinVar aggregate classification (germline): Likely pathogenic (1 of 4 stars; one submission).

Submission:

GeneDx
Classification: Likely pathogenic. Last evaluated: 2015-03-10. Review status: criteria provided, single submitter. Criteria: GeneDx Variant Classification (06012015). Collection method: clinical testing. Allele origin: germline. Affected: yes.
Comment: The L84S variant in the ZDHHC9 gene has not been published as a pathogenic variant, nor has it been reported as a benign polymorphism to our knowledge. The L84S variant was not observed in approximately 6500 individuals of European and African American ancestry in the NHLBI Exome Sequencing Project, indicating it is not a common benign variant in these populations. The L84S variant is a non-conservative amino acid substitution, which is likely to impact secondary protein structure as these residues differ in polarity, charge, size and/or other properties. This substitution occurs at a position that is conserved across species. In silico analysis is inconsistent in its predictions as to whether or not the variant is damaging to the protein structure/function. The L84S variant is a strong candidate for a disease-causing variant, however, the possibility it may be a rare benign variant cannot be excluded.